The following is an entry in ClinVar:

ClinVar aggregate classification (germline): Likely pathogenic (1 of 4 stars; one submission).

Conditions:
Congenital adrenal hyperplasia. Identifiers: Orphanet 418, MedGen C0001627, MONDO:0018479, HP:0008258.

Submission:

Women's Health and Genetics/Laboratory Corporation of America, LabCorp
Classification: Likely pathogenic for Congenital adrenal hyperplasia. Last evaluated: 2024-08-08. Review status: criteria provided, single submitter. Criteria: LabCorp Variant Classification Summary - May 2015. Collection method: clinical testing. Allele origin: germline.
Comment: Variant summary: The variant involves the duplication of exon 3 in the CYP21A2 gene. A presumed nomenclature of c.(292+1_293-1)_(447+1_448-1)dup has been designated for the purposes of this classification. It is assumed to be a tandem duplication in direct orientation (PMIDs: 25640679, 30054569). This Copy Number Variant (CNV) is expected to alter the reading frame and predicted to result in a truncation or absence of the encoded protein due to nonsense mediated decay (NMD). This duplication was not found in large population database (gnomAD Structural Variants database). To our knowledge, no occurrence of exon 3 duplication in individuals affected with Congenital Adrenal Hyperplasia and no experimental evidence demonstrating its impact on protein function have been reported. No submitters have cited clinical-significance assessments for this variant to ClinVar. Based on the evidence outlined above, the variant was classified as likely pathogenic.

NC_000006.11:g.(32006589_32006870)_(32007026_32007132)dup

Gene: CYP21A2 (cytochrome P450 family 21 subfamily A member 2; plus strand). Cytogenetic location: 6p21.33.
Variant type: Duplication.
Identifiers: ClinVar variation 3366383 (VCV003366383.1).